The following is an entry in ClinVar:

ClinVar aggregate classification (germline): Conflicting classifications of pathogenicity. Review status: criteria provided, conflicting classifications (1 of 4 stars). 5 submissions from 5 submitters: Pathogenic (1); Likely pathogenic (1); Uncertain significance (3). Last evaluated 2026-06-30.

Conditions:
Early-infantile DEE. Also called: Early infantile epileptic encephalopathy; Ohtahara syndrome; Early infantile epileptic encephalopathy with suppression bursts. Identifiers: Orphanet 1934, MedGen C0393706, MONDO:0800491.
KCNQ2-Related Disorders. Also called: KCNQ2-related condition; KCNQ2-related disorder. Identifiers: MedGen CN169299.

Submissions (11):

PreventionGenetics, part of Exact Sciences
Classification: Uncertain significance for KCNQ2-related condition. Last evaluated: 2026-06-30. Review status: criteria provided, single submitter. Criteria: ACMG Guidelines, 2015. Collection method: clinical testing. Allele origin: germline.
Comment: The KCNQ2 c.1757A>C variant is predicted to result in the amino acid substitution p.Gln586Pro. This variant has been reported in an epilepsy cohort, in an individual with unknown phenotype (Vanoye et al. 2022. PubMed ID: 35104249). In vitro experimental studies suggested that this variant modifies the biophysical properties of the ion channel, but the physiological consequence is inconclusive (Vanoye et al. 2022. PubMed ID: 35104249). This variant has not been reported in a large population database, indicating it is rare. In ClinVar, this variant is classified as uncertain, likely pathogenic, and pathogenic (Variation ID: 205921). Although we suspect that this variant may be pathogenic, at this time, the clinical significance of this variant is uncertain due to the absence of conclusive functional and genetic evidence.

GeneDx
Classification: Likely pathogenic. Last evaluated: 2025-09-16. Review status: criteria provided, single submitter. Criteria: GeneDx Variant Classification Process June 2021. Collection method: clinical testing. Allele origin: germline. Affected: yes.
Comment: Published functional studies demonstrate a damaging effect; cells expressing Q586P in a heterozygous state had a gain-of-function effect on KCNQ2 channel activity and did not negatively impact current density (PMID: 35104249); Not observed at significant frequency in large population cohorts (gnomAD); In silico analysis supports that this missense variant has a deleterious effect on protein structure/function; This substitution is predicted to be within the C-terminal cytoplasmic domain; This variant is associated with the following publications: (PMID: 35104249)

Labcorp Genetics (formerly Invitae), Labcorp
Classification: Pathogenic for Early-infantile DEE. Last evaluated: 2024-11-25. Review status: criteria provided, single submitter. Criteria: Invitae Variant Classification Sherloc (09022015). Collection method: clinical testing. Allele origin: germline.
Comment: This sequence change replaces glutamine, which is neutral and polar, with proline, which is neutral and non-polar, at codon 586 of the KCNQ2 protein (p.Gln586Pro). This variant is not present in population databases (gnomAD no frequency). This missense change has been observed in individuals with neonatal seizures (internal data). ClinVar contains an entry for this variant (Variation ID: 205921). Invitae Evidence Modeling of protein sequence and biophysical properties (such as structural, functional, and spatial information, amino acid conservation, physicochemical variation, residue mobility, and thermodynamic stability) indicates that this missense variant is expected to disrupt KCNQ2 protein function with a positive predictive value of 95%. Experimental studies have shown that this missense change affects KCNQ2 function (PMID: 35104249). For these reasons, this variant has been classified as Pathogenic.

Mayo Clinic Laboratories, Mayo Clinic
Classification: Uncertain significance. Last evaluated: 2020-03-27. Review status: criteria provided, single submitter. Criteria: ACMG Guidelines, 2015. Collection method: clinical testing. Allele origin: germline. Observed: 1 variant allele.

Athena Diagnostics
Classification: Uncertain significance. Last evaluated: 2017-10-04. Review status: criteria provided, single submitter. Criteria: Athena Diagnostics Criteria. Collection method: clinical testing. Allele origin: germline.

Channelopathy-Associated Epilepsy Research Center
No classification provided (evidence only). Condition: Complex neurodevelopmental disorder. Review status: no classification provided. Collection method: literature only. Allele origin: not applicable. Functional consequence: Severe decrease in peak current, Moderate slowing of activation, Severe hyperpolarizing shift of voltage dependence of activation. Not counted in ClinVar's aggregate classification.
ClinVar note: "not provided" was previously submitted as the classification for the variant. However, the classification appeared to be based only on an observation of functional data so it was converted to no classification on 2025-07-30.

Channelopathy-Associated Epilepsy Research Center
No classification provided (evidence only). Review status: no classification provided. Collection method: in vitro. Allele origin: not applicable. Functional consequence: Increase in peak current. Not counted in ClinVar's aggregate classification.

Channelopathy-Associated Epilepsy Research Center
No classification provided (evidence only). Review status: no classification provided. Collection method: in vitro. Allele origin: not applicable. Functional consequence: Increase in peak current. Not counted in ClinVar's aggregate classification.

Channelopathy-Associated Epilepsy Research Center
No classification provided (evidence only). Review status: no classification provided. Collection method: in vitro. Allele origin: not applicable. Functional consequence: Normal voltage dependence of activation. Not counted in ClinVar's aggregate classification.

Channelopathy-Associated Epilepsy Research Center
No classification provided (evidence only). Review status: no classification provided. Collection method: in vitro. Allele origin: not applicable. Functional consequence: Normal slope of activation. Not counted in ClinVar's aggregate classification.

Channelopathy-Associated Epilepsy Research Center
No classification provided (evidence only). Review status: no classification provided. Collection method: in vitro. Allele origin: not applicable. Functional consequence: Normal rate of activation. Not counted in ClinVar's aggregate classification.

Literature cited by the submitters: PubMed 35104249 (cited by Labcorp Genetics (formerly Invitae), Labcorp and Channelopathy-Associated Epilepsy Research Center).

NM_172107.4(KCNQ2):c.1757A>C (p.Gln586Pro)

Gene: KCNQ2 (potassium voltage-gated channel subfamily Q member 2; minus strand). Cytogenetic location: 20q13.33.
Variant type: single nucleotide variant.
Coding change: c.1757A>C on transcript NM_172107.4 (MANE Select); coding-DNA position 1757, A replaced by C.
Protein change: p.Gln586Pro; replaces glutamine 586 with proline.
Molecular consequence: missense variant.
Genome position (GRCh38, 1-based): chr20:63,413,456, T>G on the plus strand (A>C on the coding strand, the complement: KCNQ2 is on the minus strand). VCF-style: chr20-63413456-T-G. GRCh37 (hg19) VCF-style: chr20-62044809-T-G.
Other names: p.Q586P:CAG>CCG; c.1703A>C, p.Gln568Pro (NM_001382235.1, NM_172106.3); c.1700A>C, p.Gln567Pro (NM_001439003.1); c.1670A>C, p.Gln557Pro (NM_001439004.1); c.1673A>C, p.Gln558Pro (NM_004518.6); c.1664A>C, p.Gln555Pro (NM_172108.5); short protein forms Q586P, Q558P, Q568P, Q555P, Q557P, Q567P.
Identifiers: ClinVar variation 205921 (VCV000205921.58), dbSNP rs796052656, ClinGen allele CA315495.